The following is an entry in ClinVar:

ClinVar aggregate classification (germline): Uncertain significance. Review status: criteria provided, multiple submitters, no conflicts (2 of 4 stars). 3 submissions from 3 submitters: Uncertain significance (3). Last evaluated 2024-12-02.

Conditions:
Hereditary cancer-predisposing syndrome. Also called: Neoplastic Syndromes, Hereditary; Hereditary Cancer Syndrome; Tumor predisposition; Hereditary neoplastic syndrome. Identifiers: Orphanet 140162, MedGen C0027672, MeSH D009386, MONDO:0015356.
Ataxia-telangiectasia syndrome (AT). Also called: Ataxia-telangiectasia, complementation group D; AT, COMPLEMENTATION GROUP C; Ataxia-telangiectasia, complementation group E; Cerebello-oculocutaneous telangiectasia; Immunodeficiency with ataxia telangiectasia; ATAXIA-TELANGIECTASIA, COMPLEMENTATION GROUP A. Identifiers: Orphanet 100, MedGen C0004135, MONDO:0008840, OMIM 208900.

Submissions (3):

Labcorp Genetics (formerly Invitae), Labcorp
Classification: Uncertain significance for Ataxia-telangiectasia syndrome. Last evaluated: 2024-12-02. Review status: criteria provided, single submitter. Criteria: Invitae Variant Classification Sherloc (09022015). Collection method: clinical testing. Allele origin: germline.
Comment: This sequence change replaces phenylalanine, which is neutral and non-polar, with cysteine, which is neutral and slightly polar, at codon 1877 of the ATM protein (p.Phe1877Cys). This variant is not present in population databases (gnomAD no frequency). This variant has not been reported in the literature in individuals affected with ATM-related conditions. ClinVar contains an entry for this variant (Variation ID: 584492). Invitae Evidence Modeling of protein sequence and biophysical properties (such as structural, functional, and spatial information, amino acid conservation, physicochemical variation, residue mobility, and thermodynamic stability) indicates that this missense variant is not expected to disrupt ATM protein function with a negative predictive value of 95%. In summary, the available evidence is currently insufficient to determine the role of this variant in disease. Therefore, it has been classified as a Variant of Uncertain Significance.

Color Diagnostics, LLC DBA Color Health
Classification: Uncertain significance for Hereditary cancer-predisposing syndrome. Last evaluated: 2020-11-17. Review status: criteria provided, single submitter. Criteria: ACMG Guidelines, 2015. Collection method: clinical testing. Allele origin: germline.
Comment: This missense variant replaces phenylalanine with cysteine at codon 1877 of the ATM protein. Computational prediction suggests that this variant may not impact protein structure and function (internally defined REVEL score threshold <= 0.5, PMID: 27666373). To our knowledge, functional studies have not been reported for this variant. This variant has not been reported in individuals affected with hereditary cancer in the literature. This variant has not been identified in the general population by the Genome Aggregation Database (gnomAD). The available evidence is insufficient to determine the role of this variant in disease conclusively. Therefore, this variant is classified as a Variant of Uncertain Significance.

GeneKor MSA
Classification: Uncertain significance for Hereditary cancer-predisposing syndrome. Last evaluated: 2018-08-01. Review status: criteria provided, single submitter. Criteria: ACMG Guidelines, 2015. Collection method: clinical testing. Allele origin: germline. Affected: yes.

NM_000051.4(ATM):c.5630T>G (p.Phe1877Cys)

Gene: ATM (ATM serine/threonine kinase; plus strand). Cytogenetic location: 11q22.3.
Variant type: single nucleotide variant.
Coding change: c.5630T>G on transcript NM_000051.4 (MANE Select); coding-DNA position 5630, T replaced by G.
Protein change: p.Phe1877Cys; replaces phenylalanine 1877 with cysteine.
Molecular consequence: missense variant.
Genome position (GRCh38, 1-based): chr11:108,304,808, T>G. VCF-style: chr11-108304808-T-G. GRCh37 (hg19) VCF-style: chr11-108175535-T-G.
Other names: c.5630T>G, p.Phe1877Cys (NM_001351834.2); short protein forms F1877C.
Identifiers: ClinVar variation 584492 (VCV000584492.6), dbSNP rs202028401, ClinGen allele CA382546385.